The following is an entry in ClinVar:

ClinVar aggregate classification (germline): Conflicting classifications of pathogenicity. Review status: criteria provided, conflicting classifications (1 of 4 stars). 2 submissions from 2 submitters: Uncertain significance (1); Likely benign (1). Last evaluated 2025-05-04.

Conditions:
Joubert syndrome. Also called: Familial aplasia of the vermis; JOUBERT-BOLTSHAUSER SYNDROME. Identifiers: Orphanet 475, MedGen C5979921, MONDO:0018772.
Orofaciodigital syndrome I (OFD1). Also called: OFDS I; Papillon-Leage and Psaume Syndrome; Oral-Facial-Digital Syndrome Type I. Identifiers: Orphanet 2750, MedGen C1510460, MONDO:0010702, OMIM 311200.

gnomAD v4.1: 7 of 1,209,835 alleles (0.00058%); highest among the groups gnomAD compares: East Asian, 0.0059%; no homozygotes.

Submissions (2):

Labcorp Genetics (formerly Invitae), Labcorp
Classification: Uncertain significance for Orofaciodigital syndrome I; Joubert syndrome. Last evaluated: 2025-05-04. Review status: criteria provided, single submitter. Criteria: Invitae Variant Classification Sherloc (09022015). Collection method: clinical testing. Allele origin: germline.
Comment: This sequence change replaces valine, which is neutral and non-polar, with methionine, which is neutral and non-polar, at codon 859 of the OFD1 protein (p.Val859Met). This variant is present in population databases (no rsID available, gnomAD 0.02%). This missense change has been observed in individual(s) with clinical features of OFD1-related disorders (PMID: 37734845). Invitae Evidence Modeling of protein sequence and biophysical properties (such as structural, functional, and spatial information, amino acid conservation, physicochemical variation, residue mobility, and thermodynamic stability) indicates that this missense variant is not expected to disrupt OFD1 protein function with a negative predictive value of 80%. In summary, the available evidence is currently insufficient to determine the role of this variant in disease. Therefore, it has been classified as a Variant of Uncertain Significance.

Blueprint Genetics
Classification: Likely benign. Last evaluated: 2024-10-11. Review status: criteria provided, single submitter. Criteria: ACMG Guidelines, 2015. Collection method: clinical testing. Allele origin: germline.

Literature cited by the submitters: PubMed 37734845 (cited by Labcorp Genetics (formerly Invitae), Labcorp).

NM_003611.3(OFD1):c.2575G>A (p.Val859Met)

Gene: OFD1 (OFD1 centriole and centriolar satellite protein; plus strand). Cytogenetic location: Xp22.2.
Variant type: single nucleotide variant.
Coding change: c.2575G>A on transcript NM_003611.3 (MANE Select); coding-DNA position 2575, G replaced by A.
Protein change: p.Val859Met; replaces valine 859 with methionine.
Molecular consequence: missense variant. On other transcripts: intron variant (2).
Genome position (GRCh38, 1-based): chrX:13,763,831, G>A. VCF-style: chrX-13763831-G-A. GRCh37 (hg19) VCF-style: chrX-13781950-G-A.
Other names: c.2455G>A, p.Val819Met (NM_001330209.2); c.2155G>A, p.Val719Met (NM_001330210.2); c.2488+1387G>A (NM_001440947.1); c.2368+1387G>A (NM_001440948.1); short protein forms V719M, V859M, V819M.
Identifiers: ClinVar variation 4794750 (VCV004794750.2).